The following is an entry in ClinVar:

NM_000017.4(ACADS):c.423_424del (p.Pro142fs)

Gene: ACADS (acyl-CoA dehydrogenase short chain; plus strand). Cytogenetic location: 12q24.31.
Variant type: Deletion.
Coding change: c.423_424del on transcript NM_000017.4 (MANE Select); coding-DNA positions 423 to 424, 2 bases deleted (GC; older notation c.423_424delGC).
Protein change: p.Pro142fs; shifts the reading frame from proline 142.
Molecular consequence: frameshift variant.
Genome position (GRCh38, 1-based): chr12:120,737,418-120,737,419, GC deleted; deleting any 2 consecutive bases within chr12:120,737,417-120,737,419 gives the same sequence; the c. name uses the placement nearest the transcript's 3' end. VCF-style (leftmost placement, unchanged base first): chr12-120737416-ACG-A. GRCh37 (hg19) VCF-style: chr12-121175219-ACG-A.
Other names: c.423_424del, p.Pro142fs (NM_001302554.2); short protein forms P142fs.
Identifiers: ClinVar variation 1723983 (VCV001723983.2), dbSNP rs2501191093, ClinGen allele CA2580085889.

ClinVar aggregate classification (germline): Likely pathogenic (1 of 4 stars; one submission).

Conditions:
Deficiency of butyryl-CoA dehydrogenase (ACADSD). Also called: ACADS DEFICIENCY; Short-Chain Acyl-CoA Dehydrogenase Deficiency; SCAD Deficiency; SCAD DEFICIENCY, MILD; ACYL-CoA DEHYDROGENASE, SHORT-CHAIN, DEFICIENCY OF; SCADH DEFICIENCY. Identifiers: Orphanet 26792, MedGen C0342783, MONDO:0008722, OMIM 201470. Disease mechanism: May be benign.

Submission:

Myriad Genetics, Inc.
Classification: Likely pathogenic for Deficiency of butyryl-CoA dehydrogenase. Last evaluated: 2022-01-21. Review status: criteria provided, single submitter. Criteria: Myriad Women's Health Autosomal Recessive and X-Linked Classification Criteria (2021). Collection method: clinical testing. Allele origin: unknown.
Comment: NM_000017.2(ACADS):c.423_424delGC(P142Ffs*5) is expected to be pathogenic in the context of short-chain acyl-CoA dehydrogenase deficiency. This variant is predicted to lead to an abnormal or absent protein product due to the creation of a premature termination codon in ACADS, a gene where loss-of-function variants are known to be pathogenic. Please note: this variant was assessed in the context of healthy population screening.